The following is an entry in ClinVar:

NM_033305.3(VPS13A):c.8954-3C>T

Gene: VPS13A (vacuolar protein sorting 13 homolog A; plus strand). Cytogenetic location: 9q21.2.
Variant type: single nucleotide variant.
Coding change: c.8954-3C>T on transcript NM_033305.3 (MANE Select); 3 bases into the intron before coding-DNA position 8954, C replaced by T.
Molecular consequence: intron variant.
Genome position (GRCh38, 1-based): chr9:77,371,023, C>T. VCF-style: chr9-77371023-C-T. GRCh37 (hg19) VCF-style: chr9-79985939-C-T.
Other names: c.8837-3C>T (NM_001018037.2); c.8954-3C>T (NM_015186.4, NM_001018038.3).
Identifiers: ClinVar variation 2108389 (VCV002108389.4), dbSNP rs1832717808, ClinGen allele CA1857221616.
Genomic context (GRCh38, chr9:77,371,023, plus strand): 5'-TTTCTAAGTTGATTCTGTTTTCATTCTTGGATGCAATTGTCAAAAACTCTTTTTTCTTTC[C>T]AGGAGCTCAAAAAGGAGGAGCAGCTGGTTTCTTTAAAGGTGTTGGGAAAGGTTTAGTAGG-3'

ClinVar aggregate classification (germline): Uncertain significance (1 of 4 stars; one submission).

Submission:

Labcorp Genetics (formerly Invitae), Labcorp
Classification: Uncertain significance. Last evaluated: 2022-04-26. Review status: criteria provided, single submitter. Criteria: Invitae Variant Classification Sherloc (09022015). Collection method: clinical testing. Allele origin: germline.
Comment: This sequence change falls in intron 66 of the VPS13A gene. It does not directly change the encoded amino acid sequence of the VPS13A protein. It affects a nucleotide within the consensus splice site. In summary, the available evidence is currently insufficient to determine the role of this variant in disease. Therefore, it has been classified as a Variant of Uncertain Significance. This variant is not present in population databases (gnomAD no frequency). This variant has not been reported in the literature in individuals affected with VPS13A-related conditions. Variants that disrupt the consensus splice site are a relatively common cause of aberrant splicing (PMID: 17576681, 9536098). Algorithms developed to predict the effect of sequence changes on RNA splicing suggest that this variant is not likely to affect RNA splicing.

Literature cited by the submitters: PubMed 17576681; PubMed 9536098.